The following is an entry in ClinVar:

NM_012238.5(SIRT1):c.236C>T (p.Ala79Val)

Genes: SIRT1 (sirtuin 1; plus strand), LOC107832851 (SIRT1 promoter region; plus strand). Cytogenetic location: 10q21.3.
Variant type: single nucleotide variant.
Coding change: c.236C>T on transcript NM_012238.5 (MANE Select); coding-DNA position 236, C replaced by T.
Protein change: p.Ala79Val; replaces alanine 79 with valine.
Molecular consequence: missense variant.
Genome position (GRCh38, 1-based): chr10:67,884,957, C>T. VCF-style: chr10-67884957-C-T. GRCh37 (hg19) VCF-style: chr10-69644715-C-T.
Other names: short protein forms A79V.
Identifiers: ClinVar variation 2026285 (VCV002026285.4), dbSNP rs1564880865, ClinGen allele CA377035885.

ClinVar aggregate classification (germline): Uncertain significance (1 of 4 stars; one submission).

Allele frequency attached by ClinVar (database versions not stated): gnomAD exomes below 0.00001; TOPMed 0.00001.
gnomAD v4.1: 4 of 1,256,872 alleles (0.00032%); highest among the groups gnomAD compares: Non-Finnish European, 0.0004%; no homozygotes.

Submission:

Labcorp Genetics (formerly Invitae), Labcorp
Classification: Uncertain significance. Last evaluated: 2022-08-30. Review status: criteria provided, single submitter. Criteria: Invitae Variant Classification Sherloc (09022015). Collection method: clinical testing. Allele origin: germline.
Comment: In summary, the available evidence is currently insufficient to determine the role of this variant in disease. Therefore, it has been classified as a Variant of Uncertain Significance. Algorithms developed to predict the effect of missense changes on protein structure and function output the following: SIFT: "Tolerated"; PolyPhen-2: "Possibly Damaging"; Align-GVGD: "Class C0". The valine amino acid residue is found in multiple mammalian species, which suggests that this missense change does not adversely affect protein function. This variant has not been reported in the literature in individuals affected with SIRT1-related conditions. This variant is not present in population databases (gnomAD no frequency). This sequence change replaces alanine, which is neutral and non-polar, with valine, which is neutral and non-polar, at codon 79 of the SIRT1 protein (p.Ala79Val).